The following continues an entry in ClinVar:

NM_000455.5(STK11):c.894C>A (p.Phe298Leu)

Gene: STK11. ClinVar aggregate classification (germline): Conflicting classifications of pathogenicity. Uncertain significance (4); Benign (8); Likely benign (9).

Submissions 18 to 22 of 22:

Baylor Genetics
Classification: Uncertain significance for Familial pancreatic carcinoma. Last evaluated: 2019-01-13. Review status: criteria provided, single submitter. Criteria: ACMG Guidelines, 2015. Collection method: clinical testing. Allele origin: maternal. Affected: yes. Study: CSER-TexasKidsCanSeq.
Comment: This variant was determined to be of uncertain significance according to ACMG Guidelines, 2015 [PMID:25741868].

Ambry Genetics
Classification: Likely benign for Hereditary cancer-predisposing syndrome. Last evaluated: 2018-09-11. Review status: criteria provided, single submitter. Criteria: Ambry Variant Classification Scheme 2023. Collection method: clinical testing. Allele origin: germline.

University of Washington Department of Laboratory Medicine, University of Washington
Classification: Likely benign for Peutz-Jeghers syndrome. Last evaluated: 2018-04-30. Review status: criteria provided, single submitter. Criteria: Tsai GJ et al. (Genet Med 2018). Collection method: research. Allele origin: germline. Inheritance: Autosomal dominant inheritance. Affected: no.
Comment: The STK11 variant designated as NM_000455.4:c.894C>A (p.Phe298Leu) is classified as likely benign. This variant is listed in population databases and is found in approximately 1 out of 1800 individuals in the population and in 1 out of 200 individuals of African ancestry, which is a higher frequency than expected for a pathogenic STK11 variant (Kobayashi et al, 2017, PMID:28166811). Based on in silico software predictions, this variant is predicted to be tolerated (SIFT, PolyPhen-2). This variant is in ClinVar (Variation ID: 127707) and has been classified as likely benign by three commercial laboratories. Bayesian analysis integrating all of this data (Tavtigian et al, 2018, PMID:29300386) gives a less than 1% probability of pathogenicity, which is consistent with a classification of likely benign. This variant is not predicted to alter STK11 function or modify risk for the clinical features of Peutz-Jeghers syndrome. A modest (less than 2 fold) increase in risk due to this variant cannot be entirely excluded. This analysis was performed in conjunction with the family studies project as part of the University of Washington Find My Variant Study.

GeneDx
Classification: Uncertain significance. Last evaluated: 2017-09-14. Review status: criteria provided, single submitter. Criteria: GeneDx Variant Classification (06012015). Collection method: clinical testing. Allele origin: germline. Affected: yes.
Comment: This variant is denoted STK11 c.894C>A at the cDNA level, p.Phe298Leu (F298L) at the protein level, and results in the change of a Phenylalanine to a Leucine (TTC>TTA). This variant has been observed in at least one individual with a personal history of a Lynch syndrome-associated cancer and/or polyps (Yurgelun 2015). STK11 Phe298Leu was observed with an allele frequency of 0.2% (6/3904) in African Americans in the NHLBI Exome Sequencing Project and an allele frequency of 0.3% (4/1322) in the African populations in 1000 Genomes. Since Phenylalanine and Leucine share similar properties, this is considered a conservative amino acid substitution. STK11 Phe298Leu occurs at a position where amino acids with properties similar to Phenylalanine are tolerated across species and is located in the protein kinase domain (UniProt). In silico analyses are inconsistent regarding the effect this variant may have on protein structure and function. Based on currently available information, it is unclear whether STK11 Phe298Leu is a pathogenic or benign variant. We consider it to be a variant of uncertain significance.

PreventionGenetics, part of Exact Sciences
Classification: Likely benign for STK11-related condition. Last evaluated: 2020-12-14. Review status: no assertion criteria provided. Collection method: clinical testing. Allele origin: germline. Not counted in ClinVar's aggregate classification.
Comment: This variant is classified as likely benign based on ACMG/AMP sequence variant interpretation guidelines (Richards et al. 2015 PMID: 25741868, with internal and published modifications).

Literature cited by the submitters: PubMed 25980754 (cited by 4 submitters); PubMed 27615706 (cited by 3 submitters); PubMed 23893923 (cited by 4 submitters); PubMed 25186627 (cited by Department of Pathology and Laboratory Medicine, Sinai Health System); PubMed 24652667 (cited by 3 submitters); PubMed 19340305 (cited by Quest Diagnostics Nichols Institute San Juan Capistrano); PubMed 23555315 (cited by Quest Diagnostics Nichols Institute San Juan Capistrano and Women's Health and Genetics/Laboratory Corporation of America, LabCorp).